The following is an entry in ClinVar:

ClinVar aggregate classification (germline): Pathogenic. Review status: criteria provided, single submitter (1 of 4 stars). 2 submissions from 2 submitters: Pathogenic (1). 1 of the submissions does not count toward it. Last evaluated 2020-06-10.

Conditions:
Spastic paraplegia. Identifiers: MedGen C0037772, HP:0001258.
Huppke-Brendel syndrome. Also called: ACETYL-CoA TRANSPORTER DEFICIENCY; Congenital cataract-hearing loss-severe developmental delay syndrome. Identifiers: Orphanet 300313, MedGen C4751114, MONDO:0013772, OMIM 614482.

Submissions (2):

Labcorp Genetics (formerly Invitae), Labcorp
Classification: Pathogenic for Spastic paraplegia. Last evaluated: 2020-06-10. Review status: criteria provided, single submitter. Criteria: Invitae Variant Classification Sherloc (09022015). Collection method: clinical testing. Allele origin: germline.
Comment: For these reasons, this variant has been classified as Pathogenic. Loss-of-function variants in SLC33A1 are known to be pathogenic (PMID: 22243965, 27306358). Algorithms developed to predict the effect of sequence changes on RNA splicing suggest that this variant may create or strengthen a splice site, but this prediction has not been confirmed by published transcriptional studies. This variant has not been reported in the literature in individuals with SLC33A1-related conditions. This variant is not present in population databases (ExAC no frequency). This sequence change creates a premature translational stop signal (p.Tyr377*) in the SLC33A1 gene. It is expected to result in an absent or disrupted protein product.

OMIM
Classification: Pathogenic for HUPPKE-BRENDEL SYNDROME. Last evaluated: 2024-03-01. Review status: no assertion criteria provided. Collection method: literature only. Allele origin: germline. Not counted in ClinVar's aggregate classification.

Literature cited by the submitters: PubMed 22243965 (cited by Labcorp Genetics (formerly Invitae), Labcorp); PubMed 27306358 (cited by Labcorp Genetics (formerly Invitae), Labcorp); PubMed 35999711 (cited by OMIM).

NM_004733.4(SLC33A1):c.1131C>G (p.Tyr377Ter)

Gene: SLC33A1 (solute carrier family 33 member 1; minus strand). Cytogenetic location: 3q25.31.
Variant type: single nucleotide variant.
Coding change: c.1131C>G on transcript NM_004733.4 (MANE Select); coding-DNA position 1131, C replaced by G.
Protein change: p.Tyr377Ter; replaces tyrosine 377 with a stop codon.
Molecular consequence: nonsense. On other transcripts: missense variant (1).
Genome position (GRCh38, 1-based): chr3:155,833,874, G>C on the plus strand (C>G on the coding strand, the complement: SLC33A1 is on the minus strand). VCF-style: chr3-155833874-G-C. GRCh37 (hg19) VCF-style: chr3-155551663-G-C.
Other names: c.1131C>G, p.Tyr377Ter (NM_001190992.2); c.943C>G, p.Gln315Glu (NM_001363883.1); short protein forms Q315E, Y377*.
Identifiers: ClinVar variation 1070059 (VCV001070059.9), dbSNP rs2109312898, ClinGen allele CA355141189.